The following is an entry in ClinVar:

ClinVar aggregate classification (germline): Likely pathogenic (1 of 4 stars; one submission).

Conditions:
Sandhoff disease. Also called: GM2-GANGLIOSIDOSIS, TYPE II; HEXOSAMINIDASES A AND B DEFICIENCY; Beta-hexosaminidase-beta-subunit deficiency; GM2 gangliosidosis, type 2; Total hexosaminidase deficiency; Sandhoff-Jatzkewitz-Pilz disease. Identifiers: Orphanet 796, MedGen C0036161, MONDO:0010006, OMIM 268800.

Submission:

Natera, Inc.
Classification: Likely pathogenic for Sandhoff disease. Last evaluated: 2024-11-04. Review status: criteria provided, single submitter. Criteria: Natera Variant Classification Schema (03/2026). Collection method: clinical testing. Allele origin: germline.
Comment: The c.171_176delGCCCCTinsCCCCC variant in HEXB is a frameshift variant predicted to shift the reading frame beginning at codon 57 and leads to a stop codon 7 codons downstream. This variant is expected to result in nonsense mediated decay, truncation, or a dysfunctional protein product. This variant is rare in the general population with a frequency below the threshold expected for the associated phenotype(s). Given the available evidence, this variant is classified as Likely Pathogenic.

NM_000521.4(HEXB):c.171_176delinsCCCCC (p.Trp57fs)

Gene: HEXB (hexosaminidase subunit beta; plus strand). Cytogenetic location: 5q13.3.
Variant type: Indel.
Coding change: c.171_176delinsCCCCC on transcript NM_000521.4 (MANE Select); coding-DNA positions 171 to 176, GCCCCT replaced by CCCCC.
Protein change: p.Trp57fs; shifts the reading frame from tryptophan 57.
Molecular consequence: frameshift variant. On other transcripts: intron variant (1).
Genome position (GRCh38, 1-based): chr5:74,685,431-74,685,436, GCCCCT replaced by CCCCC. VCF-style: chr5-74685431-GCCCCT-CCCCC. GRCh37 (hg19) VCF-style: chr5-73981256-GCCCCT-CCCCC.
Other names: c.-376-3897_-376-3892delinsCCCCC (NM_001292004.2); c.171_176delGCCCCTinsCCCCC (NM_000521.3); short protein forms W57fs.
Identifiers: ClinVar variation 4814290 (VCV004814290.1), dbSNP rs1580377261.